The following continues an entry in ClinVar:

NM_000350.3(ABCA4):c.5714+5G>A

Gene: ABCA4. ClinVar aggregate classification (germline): Pathogenic. Pathogenic (1).

Submissions 30 to 38 of 38:

Division of Human Genetics, Children's Hospital of Philadelphia
Classification: Pathogenic for Cone-rod dystrophy 3. Last evaluated: 2015-07-23. Review status: no assertion criteria provided. Collection method: research. Allele origin: germline. Study: CSER-PediSeq. Not counted in ClinVar's aggregate classification.

Centre for Genomic Medicine, Manchester, Central Manchester University Hospitals
Classification: Pathogenic for Retinitis pigmentosa 19. Last evaluated: 2015-01-23. Review status: no assertion criteria provided. Collection method: clinical testing. Allele origin: germline. Affected: yes. Not counted in ClinVar's aggregate classification.

Centre for Genomic Medicine, Manchester, Central Manchester University Hospitals
Classification: Pathogenic for Severe early-childhood-onset retinal dystrophy. Last evaluated: 2015-01-22. Review status: no assertion criteria provided. Collection method: clinical testing. Allele origin: germline. Affected: yes. Not counted in ClinVar's aggregate classification.

NIHR Bioresource Rare Diseases, University of Cambridge
Classification: Likely pathogenic. Last evaluated: 2015-01-01. Review status: no assertion criteria provided. Collection method: research. Allele origin: unknown. Affected: yes. Observed: 1 variant allele. Not counted in ClinVar's aggregate classification.

OMIM
Classification: Pathogenic for CONE-ROD DYSTROPHY 3. Last evaluated: 2008-07-01. Review status: no assertion criteria provided. Collection method: literature only. Allele origin: germline. Not counted in ClinVar's aggregate classification.

Clinical Genetics DNA and cytogenetics Diagnostics Lab, Erasmus MC, Erasmus Medical Center
Classification: Likely pathogenic. Review status: no assertion criteria provided. Collection method: clinical testing. Allele origin: germline. Affected: yes. Study: VKGL Data-share Consensus. Not counted in ClinVar's aggregate classification.

Joint Genome Diagnostic Labs from Nijmegen and Maastricht, Radboudumc and MUMC+
Classification: Pathogenic. Review status: no assertion criteria provided. Collection method: clinical testing. Allele origin: germline. Affected: yes. Study: VKGL Data-share Consensus. Not counted in ClinVar's aggregate classification.

Ophthalmo-Genetics Lab, Instituto de Oftalmologia Conde de Valenciana
Classification: Pathogenic for Severe early-childhood-onset retinal dystrophy. Review status: no assertion criteria provided. Collection method: research. Allele origin: germline. Inheritance: Autosomal recessive inheritance. Affected: yes. Not counted in ClinVar's aggregate classification.

Retina International
No classification provided. Review status: no classification provided. Collection method: not provided. Allele origin: unknown. Not counted in ClinVar's aggregate classification.

Literature cited by the submitters: PubMed 9466990 (cited by 10 submitters); PubMed 10413692 (cited by 3 submitters); PubMed 19074458 (cited by 5 submitters); PubMed 17576681 (cited by Labcorp Genetics (formerly Invitae), Labcorp); PubMed 9536098 (cited by Labcorp Genetics (formerly Invitae), Labcorp); PubMed 28559085 (cited by 3billion); PubMed 10958763 (cited by 4 submitters); PubMed 29162642 (cited by 4 submitters); PubMed 31522899 (cited by Victorian Clinical Genetics Services, Murdoch Childrens Research Institute); PubMed 24265693 (cited by Institute of Human Genetics, Univ. Regensburg, Univ. Regensburg and Division of Human Genetics, Children's Hospital of Philadelphia); PubMed 28341476 (cited by Institute of Human Genetics, Univ. Regensburg, Univ. Regensburg); PubMed 29555955 (cited by 3 submitters); PubMed 30093795 (cited by Institute of Human Genetics, Univ. Regensburg, Univ. Regensburg); PubMed 31589614 (cited by Institute of Human Genetics, Univ. Regensburg, Univ. Regensburg); PubMed 29925512 (cited by Institute of Human Genetics, Univ. Regensburg, Univ. Regensburg); PubMed 32619608 (cited by Institute of Human Genetics, Univ. Regensburg, Univ. Regensburg); PubMed 32467599 (cited by Institute of Human Genetics, Univ. Regensburg, Univ. Regensburg); PubMed 31964843 (cited by Institute of Human Genetics, Univ. Regensburg, Univ. Regensburg); PubMed 31429209 (cited by Institute of Human Genetics, Univ. Regensburg, Univ. Regensburg); PubMed 31980526 (cited by Institute of Human Genetics, Univ. Regensburg, Univ. Regensburg); PubMed 32307445 (cited by Institute of Human Genetics, Univ. Regensburg, Univ. Regensburg); PubMed 33302505 (cited by Institute of Human Genetics, Univ. Regensburg, Univ. Regensburg); PubMed 32783370 (cited by Institute of Human Genetics, Univ. Regensburg, Univ. Regensburg); PubMed 32815999 (cited by Institute of Human Genetics, Univ. Regensburg, Univ. Regensburg); PubMed 31456290 (cited by Institute of Human Genetics, Univ. Regensburg, Univ. Regensburg); PubMed 32581362 (cited by Institute of Human Genetics, Univ. Regensburg, Univ. Regensburg); PubMed 32531858 (cited by Institute of Human Genetics, Univ. Regensburg, Univ. Regensburg); PubMed 33706644 (cited by Institute of Human Genetics, Univ. Regensburg, Univ. Regensburg); PubMed 34327195 (cited by Institute of Human Genetics, Univ. Regensburg, Univ. Regensburg); PubMed 34758253 (cited by Institute of Human Genetics, Univ. Regensburg, Univ. Regensburg); PubMed 35119454 (cited by Institute of Human Genetics, Univ. Regensburg, Univ. Regensburg); PubMed 35260635 (cited by Institute of Human Genetics, Univ. Regensburg, Univ. Regensburg); PubMed 36209838 (cited by Institute of Human Genetics, Univ. Regensburg, Univ. Regensburg); PubMed 36460718 (cited by Institute of Human Genetics, Univ. Regensburg, Univ. Regensburg); PubMed 35836572 (cited by Institute of Human Genetics, Univ. Regensburg, Univ. Regensburg); PubMed 35076026 (cited by Institute of Human Genetics, Univ. Regensburg, Univ. Regensburg); PubMed 29854428 (cited by Ocular Genomics Institute, Massachusetts Eye and Ear and Laboratory for Molecular Medicine, Mass General Brigham Personalized Medicine); PubMed 31576780 (cited by Ocular Genomics Institute, Massachusetts Eye and Ear and OMIM); PubMed 18285826 (cited by Ocular Genomics Institute, Massachusetts Eye and Ear and OMIM); PubMed 11702214 (cited by Ocular Genomics Institute, Massachusetts Eye and Ear and Eurofins Ntd Llc (ga)); PubMed 12192456 (cited by Illumina Laboratory Services, Illumina); PubMed 18854780 (cited by Illumina Laboratory Services, Illumina); PubMed 16303926 (cited by Illumina Laboratory Services, Illumina); PubMed 9666097 (cited by Eurofins Ntd Llc (ga)); PubMed 9973280 (cited by Eurofins Ntd Llc (ga)); PubMed 30718709 (cited by Department of Clinical Genetics, Copenhagen University Hospital, Rigshospitalet); PubMed 26872967 (cited by Centre for Genomic Medicine, Manchester, Central Manchester University Hospitals); PubMed 28041643 (cited by NIHR Bioresource Rare Diseases, University of Cambridge); PubMed 12796258 (cited by OMIM); PubMed 36471740 (cited by Ophthalmo-Genetics Lab, Instituto de Oftalmologia Conde de Valenciana).